The following is an entry in ClinVar:

ClinVar aggregate classification (germline): Likely pathogenic. Review status: criteria provided, multiple submitters, no conflicts (2 of 4 stars). 2 submissions from 2 submitters: Likely pathogenic (2). Last evaluated 2025-08-06.

Conditions:
Dilated cardiomyopathy 1G (CMD1G). Identifiers: Orphanet 154, MedGen C1858763, MONDO:0011400, OMIM 604145.
Autosomal recessive limb-girdle muscular dystrophy type 2J (LGMDR10). Also called: Limb-girdle muscular dystrophy, type 2J; MUSCULAR DYSTROPHY, LIMB-GIRDLE, AUTOSOMAL RECESSIVE 10. Identifiers: Orphanet 140922, MedGen C1837342, MONDO:0012127, OMIM 608807.
Cardiovascular phenotype. Identifiers: MedGen CN230736.

Submissions (2):

Labcorp Genetics (formerly Invitae), Labcorp
Classification: Likely pathogenic for Dilated cardiomyopathy 1G; Autosomal recessive limb-girdle muscular dystrophy type 2J. Last evaluated: 2025-08-06. Review status: criteria provided, single submitter. Criteria: Invitae Variant Classification Sherloc (09022015). Collection method: clinical testing. Allele origin: germline.
Comment: This sequence change creates a premature translational stop signal (p.Phe31389Leufs*7) in the TTN gene. While this is not anticipated to result in nonsense mediated decay, it is expected to create a truncated TTN protein. This variant is not present in population databases (gnomAD no frequency). This variant has not been reported in the literature in individuals affected with TTN-related conditions. ClinVar contains an entry for this variant (Variation ID: 1754928). This variant is located in the A band of TTN (PMID: 25589632). Truncating variants in this region are significantly overrepresented in patients affected with dilated cardiomyopathy (PMID: 25589632). Truncating variants in this region have also been reported in individuals affected with autosomal recessive centronuclear myopathy (PMID: 23975875). In summary, the currently available evidence indicates that the variant is pathogenic, but additional data are needed to prove that conclusively. Therefore, this variant has been classified as Likely Pathogenic.

Ambry Genetics
Classification: Likely pathogenic for Cardiovascular phenotype. Last evaluated: 2021-06-02. Review status: criteria provided, single submitter. Criteria: Ambry Variant Classification Scheme 2023. Collection method: clinical testing. Allele origin: germline.
Comment: The c.66972delT variant, located in coding exon 166 of the TTN gene, results from a deletion of one nucleotide at nucleotide position 66972, causing a translational frameshift with a predicted alternate stop codon (p.F22324Lfs*7). This exon is located in the A-band region of the N2-B isoform of the titin protein and is constitutively expressed in TTN transcripts (percent spliced in or PSI 100%). This alteration is expected to result in loss of function by premature protein truncation or nonsense-mediated mRNA decay. While truncating variants in TTN are present in 1-3% of the general population, truncating variants in the A-band are the most common cause of dilated cardiomyopathy (DCM) (Herman DS et al. N. Engl. J. Med., 2012 Feb;366:619-28; Roberts AM et al. Sci Transl Med, 2015 Jan;7:270ra6). TTN truncating variants encoded in constitutive exons (PSI >90%) have been found to be significantly associated with DCM regardless of their position in titin (Schafer S et al. Nat. Genet., 2017 01;49:46-53). In addition, this variant is considered to be rare based on population cohorts in the Genome Aggregation Database (gnomAD). As such, this alteration is classified as likely pathogenic.

Literature cited by the submitters: PubMed 25589632 (cited by Labcorp Genetics (formerly Invitae), Labcorp); PubMed 23975875 (cited by Labcorp Genetics (formerly Invitae), Labcorp).

NM_001267550.2(TTN):c.94167del (p.Phe31389fs)

Genes: TTN (titin; minus strand), TTN-AS1 (TTN antisense RNA 1; plus strand). Cytogenetic location: 2q31.2.
Variant type: Deletion.
Coding change: c.94167del on transcript NM_001267550.2 (MANE Select); coding-DNA position 94167, one base deleted (T; older notation c.94167delT).
Protein change: p.Phe31389fs; shifts the reading frame from phenylalanine 31389.
Molecular consequence: frameshift variant.
Genome position (GRCh38, 1-based): chr2:178,547,459, A deleted on the plus strand (T on the coding strand, the reverse complement: TTN is on the minus strand); the first of 3 consecutive A bases (chr2:178,547,459-178,547,461); deleting any one gives the same sequence. VCF-style (leftmost placement, unchanged base first): chr2-178547458-CA-C. GRCh37 (hg19) VCF-style: chr2-179412185-CA-C.
Other names: c.89244del, p.Phe29748fs (NM_001256850.1); c.66972del, p.Phe22324fs (NM_003319.4); c.86463del, p.Phe28821fs (NM_133378.4); c.67347del, p.Phe22449fs (NM_133432.3); c.67548del, p.Phe22516fs (NM_133437.4); c.66972delT (NM_003319.4); short protein forms F28821fs, F29748fs, F22449fs, F31389fs, F22324fs, F22516fs.
Identifiers: ClinVar variation 1754928 (VCV001754928.4), dbSNP rs747837187, ClinGen allele CA1987189.
Genomic context (GRCh38, chr2:178,547,458, plus strand): 5'-TTTTCTTACCAAATGGATGTTCAGCAATTATTGGTGCTGATTCTAGAGGTTTGCTGACAC[CA>C]AATCTGTTCTCTGAACTGACACGGAAAGAATATTCCATGTATTTTGTGAGATGAGTGACT-3'